The following is an entry in ClinVar:

NM_000742.4(CHRNA2):c.1144C>T (p.Arg382Trp)

Gene: CHRNA2 (cholinergic receptor nicotinic alpha 2 subunit; minus strand). Cytogenetic location: 8p21.2.
Variant type: single nucleotide variant.
Coding change: c.1144C>T on transcript NM_000742.4 (MANE Select); coding-DNA position 1144, C replaced by T.
Protein change: p.Arg382Trp; replaces arginine 382 with tryptophan.
Molecular consequence: missense variant.
Genome position (GRCh38, 1-based): chr8:27,463,299, G>A on the plus strand (C>T on the coding strand, the complement: CHRNA2 is on the minus strand). VCF-style: chr8-27463299-G-A. GRCh37 (hg19) VCF-style: chr8-27320816-G-A.
Other names: c.1099C>T, p.Arg367Trp (NM_001282455.2); c.667C>T, p.Arg223Trp (NM_001347705.2, NM_001347706.2); c.550C>T, p.Arg184Trp (NM_001347707.2, NM_001347708.2); short protein forms R184W, R223W, R367W, R382W.
Identifiers: ClinVar variation 649452 (VCV000649452.8), dbSNP rs188098799, ClinGen allele CA4689519.

ClinVar aggregate classification (germline): Uncertain significance (1 of 4 stars; one submission).

Conditions:
Familial sleep-related hypermotor epilepsy. Also called: Autosomal Dominant Sleep-Related Hypermotor (Hyperkinetic) Epilepsy. Identifiers: Orphanet 98784, MedGen C3696898, MONDO:0000030.

Allele frequency attached by ClinVar (database versions not stated): ExAC 0.00003; gnomAD exomes 0.00003; TOPMed 0.00002; 1000 Genomes Project 30x 0.00016; 1000 Genomes Project 0.00020.
gnomAD v4.1: 25 of 1,610,228 alleles (0.0016%); highest among the groups gnomAD compares: East Asian, 0.02%; no homozygotes.

Submission:

Labcorp Genetics (formerly Invitae), Labcorp
Classification: Uncertain significance. Last evaluated: 2023-12-18. Review status: criteria provided, single submitter. Criteria: Invitae Variant Classification Sherloc (09022015). Collection method: clinical testing. Allele origin: germline.
Comment: This sequence change replaces arginine, which is basic and polar, with tryptophan, which is neutral and slightly polar, at codon 382 of the CHRNA2 protein (p.Arg382Trp). This variant is present in population databases (rs188098799, gnomAD 0.02%). This variant has not been reported in the literature in individuals affected with CHRNA2-related conditions. ClinVar contains an entry for this variant (Variation ID: 649452). Advanced modeling of protein sequence and biophysical properties (such as structural, functional, and spatial information, amino acid conservation, physicochemical variation, residue mobility, and thermodynamic stability) performed at Invitae indicates that this missense variant is expected to disrupt CHRNA2 protein function with a positive predictive value of 80%. In summary, the available evidence is currently insufficient to determine the role of this variant in disease. Therefore, it has been classified as a Variant of Uncertain Significance.